The following is an entry in ClinVar:

NM_003579.4(RAD54L):c.857A>T (p.Gln286Leu)

Gene: RAD54L (RAD54 like; plus strand). Cytogenetic location: 1p34.1.
Variant type: single nucleotide variant.
Coding change: c.857A>T on transcript NM_003579.4 (MANE Select); coding-DNA position 857, A replaced by T.
Protein change: p.Gln286Leu; replaces glutamine 286 with leucine.
Molecular consequence: missense variant.
Genome position (GRCh38, 1-based): chr1:46,261,351, A>T. VCF-style: chr1-46261351-A-T. GRCh37 (hg19) VCF-style: chr1-46727023-A-T.
Other names: c.857A>T, p.Gln286Leu (NM_001142548.2); c.317A>T, p.Gln106Leu (NM_001370766.1); short protein forms Q286L, Q106L.
Identifiers: ClinVar variation 1763906 (VCV001763906.2), dbSNP rs2525672715, ClinGen allele CA340189261.

ClinVar aggregate classification (germline): Uncertain significance (1 of 4 stars; one submission).

Submission:

Ambry Genetics
Classification: Uncertain significance. Last evaluated: 2022-06-11. Review status: criteria provided, single submitter. Criteria: Ambry Variant Classification Scheme 2023. Collection method: clinical testing. Allele origin: germline.
Comment: The p.Q286L variant (also known as c.857A>T), located in coding exon 8 of the RAD54L gene, results from an A to T substitution at nucleotide position 857. The glutamine at codon 286 is replaced by leucine, an amino acid with dissimilar properties. This amino acid position is conserved. In addition, the in silico prediction for this alteration is inconclusive. Since supporting evidence is limited at this time, the clinical significance of this alteration remains unclear.